The following is an entry in ClinVar:

ClinVar aggregate classification (germline): Uncertain significance (1 of 4 stars; one submission).

Allele frequency attached by ClinVar (database versions not stated): gnomAD 0.00001; ExAC 0.00003; TOPMed 0.00003.
gnomAD v4.1: 52 of 1,614,024 alleles (0.0032%); highest among the groups gnomAD compares: Middle Eastern, 0.016%; no homozygotes.

Submission:

Labcorp Genetics (formerly Invitae), Labcorp
Classification: Uncertain significance. Last evaluated: 2022-08-24. Review status: criteria provided, single submitter. Criteria: Invitae Variant Classification Sherloc (09022015). Collection method: clinical testing. Allele origin: germline.
Comment: This sequence change replaces alanine, which is neutral and non-polar, with threonine, which is neutral and polar, at codon 962 of the KANK1 protein (p.Ala962Thr). In summary, the available evidence is currently insufficient to determine the role of this variant in disease. Therefore, it has been classified as a Variant of Uncertain Significance. Algorithms developed to predict the effect of missense changes on protein structure and function output the following: SIFT: "Tolerated"; PolyPhen-2: "Benign"; Align-GVGD: "Class C0". The threonine amino acid residue is found in multiple mammalian species, which suggests that this missense change does not adversely affect protein function. This variant has not been reported in the literature in individuals affected with KANK1-related conditions. This variant is present in population databases (rs765606180, gnomAD 0.004%).

NM_015158.5(KANK1):c.2884G>A (p.Ala962Thr)

Gene: KANK1 (KN motif and ankyrin repeat domains 1; plus strand). Cytogenetic location: 9p24.3.
Variant type: single nucleotide variant.
Coding change: c.2884G>A on transcript NM_015158.5 (MANE Select); coding-DNA position 2884, G replaced by A.
Protein change: p.Ala962Thr; replaces alanine 962 with threonine.
Molecular consequence: missense variant. On other transcripts: non-coding transcript variant (1), intron variant (5).
Genome position (GRCh38, 1-based): chr9:730,236, G>A. VCF-style: chr9-730236-G-A. GRCh37 (hg19) VCF-style: chr9-730236-G-A.
Other names: c.2884G>A, p.Ala962Thr (NM_001256876.3, NM_001256877.3, NM_001354331.2 and 1 more transcripts); c.2410G>A, p.Ala804Thr (NM_001354333.2, NM_001354335.2, NM_001354337.2 and 5 more transcripts); c.2842+42G>A (NM_001354332.2); c.2368+42G>A (NM_001354336.2, NM_001354338.2, NM_001354340.2 and 1 more transcripts); short protein forms A804T, A962T.
Identifiers: ClinVar variation 1935271 (VCV001935271.5), dbSNP rs765606180, ClinGen allele CA4960646.